The following is an entry in ClinVar:

ClinVar aggregate classification (germline): Uncertain significance (1 of 4 stars; one submission).

Conditions:
Cardiovascular phenotype. Identifiers: MedGen CN230736.

Allele frequency attached by ClinVar (database versions not stated): TOPMed below 0.00001; gnomAD 0.00001; ExAC 0.00002; ESP Exome Variant Server 0.00015.
gnomAD v4.1: 9 of 1,614,148 alleles (0.00056%); highest among the groups gnomAD compares: Non-Finnish European, 0.00068%; no homozygotes.

Submission:

Ambry Genetics
Classification: Uncertain significance for Cardiovascular phenotype. Last evaluated: 2024-03-27. Review status: criteria provided, single submitter. Criteria: Ambry Variant Classification Scheme 2023. Collection method: clinical testing. Allele origin: germline.
Comment: The p.S40T variant (also known as c.119G>C), located in coding exon 1 of the KCNJ8 gene, results from a G to C substitution at nucleotide position 119. The serine at codon 40 is replaced by threonine, an amino acid with similar properties. This amino acid position is conserved. In addition, this alteration is predicted to be tolerated by in silico analysis. Based on the available evidence, the clinical significance of this alteration remains unclear.

NM_004982.4(KCNJ8):c.119G>C (p.Ser40Thr)

Genes: KCNJ8 (potassium inwardly rectifying channel subfamily J member 8; minus strand), KCNJ8-AS1 (KCNJ8 antisense RNA 1; plus strand). Cytogenetic location: 12p12.1.
Variant type: single nucleotide variant.
Coding change: c.119G>C on transcript NM_004982.4 (MANE Select); coding-DNA position 119, G replaced by C.
Protein change: p.Ser40Thr; replaces serine 40 with threonine.
Molecular consequence: missense variant.
Genome position (GRCh38, 1-based): chr12:21,773,498, C>G on the plus strand (G>C on the coding strand, the complement: KCNJ8 is on the minus strand). VCF-style: chr12-21773498-C-G. GRCh37 (hg19) VCF-style: chr12-21926432-C-G.
Identifiers: ClinVar variation 2466954 (VCV002466954.3), dbSNP rs372068027, ClinGen allele CA6480731.
Genomic context (GRCh38, chr12:21,773,498, plus strand): 5'-ATGTCCTGTAGAAAGCGTCCTTGCTCACGGATGTTCTTATGCGCCAGGTTGCAGGCCCCG[C>G]TCTTGGCGATGAAGCGGGCTTTGGGGAGGCGGTCTCGGATGCGCGGCTTGCGCAGGTTCT-3'
Protein context (NP_004973.1, residues 30-50): RLPKARFIAK[Ser40Thr]GACNLAHKNI